The following is an entry in ClinVar:

ClinVar aggregate classification (germline): Uncertain significance (1 of 4 stars; one submission).

Conditions:
Tuberous sclerosis syndrome (TSC). Also called: Tuberous Sclerosis Complex; Tuberous sclerosis. Identifiers: Orphanet 805, MedGen C0041341, MONDO:0001734.

Submission:

All of Us Research Program, National Institutes of Health
Classification: Uncertain significance for Tuberous sclerosis syndrome. Last evaluated: 2023-12-18. Review status: criteria provided, single submitter. Criteria: ACMG Guidelines, 2015. Collection method: clinical testing. Allele origin: germline. Inheritance: Autosomal dominant inheritance. Observed: 1 variant allele, 1 heterozygote.
Comment: This missense variant replaces leucine with isoleucine at codon 122 of the TSC2 protein. Computational prediction suggests that this variant may not impact protein structure and function (internally defined REVEL score threshold <= 0.5, PMID: 27666373). To our knowledge, functional studies have not been reported for this variant. This variant has not been reported in individuals affected with TSC2-related disorders in the literature. This variant has not been identified in the general population by the Genome Aggregation Database (gnomAD). The available evidence is insufficient to determine the role of this variant in disease conclusively. Therefore, this variant is classified as a Variant of Uncertain Significance.

This study involves interpretation of variants in research participants for the purpose of population health screening. Participant phenotype was not available at the time of variant classification. Additional details can be found in publication PMID: 35346344, PMCID: PMC8962531

NM_000548.5(TSC2):c.364C>A (p.Leu122Ile)

Gene: TSC2 (TSC complex subunit 2; plus strand). Cytogenetic location: 16p13.3.
Variant type: single nucleotide variant.
Coding change: c.364C>A on transcript NM_000548.5 (MANE Select); coding-DNA position 364, C replaced by A.
Protein change: p.Leu122Ile; replaces leucine 122 with isoleucine.
Molecular consequence: missense variant. On other transcripts: 5 prime UTR variant (14), non-coding transcript variant (5), intron variant (6).
Genome position (GRCh38, 1-based): chr16:2,054,323, C>A. VCF-style: chr16-2054323-C-A. GRCh37 (hg19) VCF-style: chr16-2104324-C-A.
Other names: c.364C>A, p.Leu122Ile (NM_001370405.1, NM_001406663.1, NM_001406664.1 and 8 more transcripts); c.454C>A, p.Leu152Ile (NM_001406667.1, NM_001406668.1); c.253C>A, p.Leu85Ile (NM_001406670.1, NM_001318827.2, NM_001406678.1); c.-1068C>A (NM_001406692.1, NM_001406697.1, NM_001406689.1 and 2 more transcripts); c.-1284C>A (NM_001406693.1); c.-949C>A (NM_001406694.1, NM_001406695.1); c.-1056C>A (NM_001406696.1); c.-1244C>A (NM_001406698.1); and 6 more; short protein forms L103I, L122I, L133I, L152I, L73I, L85I.
Identifiers: ClinVar variation 3075077 (VCV003075077.1), dbSNP rs1175373447, ClinGen allele CA394306638.